The following is an entry in ClinVar:

ClinVar aggregate classification (germline): Uncertain significance. Review status: criteria provided, multiple submitters, no conflicts (2 of 4 stars). 3 submissions from 3 submitters: Uncertain significance (3). Last evaluated 2025-11-17.

Conditions:
Familial adenomatous polyposis 1 (FAP1). Also called: POLYPOSIS, ADENOMATOUS INTESTINAL; FAMILIAL ADENOMATOUS POLYPOSIS 1, ATTENUATED. Identifiers: MedGen C2713442, MONDO:0021056, OMIM 175100. Disease mechanism: loss of function.
Hereditary cancer-predisposing syndrome. Also called: Hereditary neoplastic syndrome; Neoplastic Syndromes, Hereditary; Tumor predisposition; Hereditary Cancer Syndrome. Identifiers: Orphanet 140162, MedGen C0027672, MeSH D009386, MONDO:0015356.

Submissions (3):

Labcorp Genetics (formerly Invitae), Labcorp
Classification: Uncertain significance for Familial adenomatous polyposis 1. Last evaluated: 2025-11-17. Review status: criteria provided, single submitter. Criteria: Invitae Variant Classification Sherloc (09022015). Collection method: clinical testing. Allele origin: germline.
Comment: This sequence change replaces valine, which is neutral and non-polar, with leucine, which is neutral and non-polar, at codon 368 of the APC protein (p.Val368Leu). This variant is not present in population databases (gnomAD no frequency). This variant has not been reported in the literature in individuals affected with APC-related conditions. ClinVar contains an entry for this variant (Variation ID: 469698). Invitae Evidence Modeling of protein sequence and biophysical properties (such as structural, functional, and spatial information, amino acid conservation, physicochemical variation, residue mobility, and thermodynamic stability) indicates that this missense variant is not expected to disrupt APC protein function with a negative predictive value of 95%. In summary, the available evidence is currently insufficient to determine the role of this variant in disease. Therefore, it has been classified as a Variant of Uncertain Significance.

Ambry Genetics
Classification: Uncertain significance for Hereditary cancer-predisposing syndrome. Last evaluated: 2023-08-25. Review status: criteria provided, single submitter. Criteria: Ambry Variant Classification Scheme 2023. Collection method: clinical testing. Allele origin: germline.
Comment: The p.V368L variant (also known as c.1102G>T), located in coding exon 9 of the APC gene, results from a G to T substitution at nucleotide position 1102. The valine at codon 368 is replaced by leucine, an amino acid with highly similar properties. This amino acid position is conserved. In addition, in silico predictors for this gene do not accurately predict pathogenicity. Since supporting evidence is limited at this time, the clinical significance of this alteration remains unclear.

GeneDx
Classification: Uncertain significance. Last evaluated: 2022-11-17. Review status: criteria provided, single submitter. Criteria: GeneDx Variant Classification Process June 2021. Collection method: clinical testing. Allele origin: germline. Affected: yes.
Comment: Not observed at significant frequency in large population cohorts (gnomAD); In silico analysis supports that this missense variant does not alter protein structure/function; Has not been previously published as pathogenic or benign to our knowledge

NM_000038.6(APC):c.1102G>T (p.Val368Leu)

Gene: APC (APC regulator of Wnt signaling pathway; plus strand). Cytogenetic location: 5q22.2.
Variant type: single nucleotide variant.
Coding change: c.1102G>T on transcript NM_000038.6 (MANE Select); coding-DNA position 1102, G replaced by T.
Protein change: p.Val368Leu; replaces valine 368 with leucine.
Molecular consequence: missense variant. On other transcripts: intron variant (4).
Genome position (GRCh38, 1-based): chr5:112,819,134, G>T. VCF-style: chr5-112819134-G-T. GRCh37 (hg19) VCF-style: chr5-112154831-G-T.
Other names: c.1102G>T, p.Val368Leu (NM_001127510.3, NM_001354895.2, NM_001354896.2); c.1048G>T, p.Val350Leu (NM_001127511.3); c.1132G>T, p.Val378Leu (NM_001354897.2); c.1027G>T, p.Val343Leu (NM_001354898.2); c.1018G>T, p.Val340Leu (NM_001354899.2); c.925G>T, p.Val309Leu (NM_001354900.2, NM_001354901.2); c.253G>T, p.Val85Leu (NM_001354906.2); c.964-135G>T (NM_001354902.2); and 3 more; short protein forms V350L, V368L, V340L, V85L, V309L, V343L, V378L.
Identifiers: ClinVar variation 469698 (VCV000469698.13), dbSNP rs914534364, ClinGen allele CA16023728.
Genomic context (GRCh38, chr5:112,819,134, plus strand): 5'-CGACAGTCTGGATGTCTTCCTCTCCTCATCCAGCTTTTACATGGCAATGACAAAGACTCT[G>T]TATTGTTGGGAAATTCCCGGGGCAGTAAAGAGGCTCGGGCCAGGGCCAGTGCAGCACTCC-3'
Protein context (NP_000029.2, residues 358-378): QLLHGNDKDS[Val368Leu]LLGNSRGSKE